The following is an entry in ClinVar:

ClinVar aggregate classification (germline): Uncertain significance (1 of 4 stars; one submission).

Conditions:
PCNT-related disorder. Also called: PCNT-related condition.

gnomAD v4.1: 15 of 1,607,304 alleles (0.00093%); highest among the groups gnomAD compares: East Asian, 0.0022%; no homozygotes.

Submission:

PreventionGenetics, part of Exact Sciences
Classification: Uncertain significance for PCNT-related condition. Last evaluated: 2025-12-11. Review status: criteria provided, single submitter. Criteria: ACMG Guidelines, 2015. Collection method: clinical testing. Allele origin: germline.
Comment: The PCNT c.5938G>A variant is predicted to result in the amino acid substitution p.Gly1980Ser. To our knowledge, this variant has not been reported in the literature. This variant is reported in 0.0057% of alleles in individuals of Latino descent in gnomAD. At this time, the clinical significance of this variant is uncertain due to the absence of conclusive functional and genetic evidence.

NM_006031.6(PCNT):c.5938G>A (p.Gly1980Ser)

Gene: PCNT (pericentrin; plus strand). Cytogenetic location: 21q22.3.
Variant type: single nucleotide variant.
Coding change: c.5938G>A on transcript NM_006031.6 (MANE Select); coding-DNA position 5938, G replaced by A.
Protein change: p.Gly1980Ser; replaces glycine 1980 with serine.
Molecular consequence: missense variant.
Genome position (GRCh38, 1-based): chr21:46,412,011, G>A. VCF-style: chr21-46412011-G-A. GRCh37 (hg19) VCF-style: chr21-47831925-G-A.
Other names: c.5584G>A, p.Gly1862Ser (NM_001315529.2); short protein forms G1862S, G1980S.
Identifiers: ClinVar variation 4985431 (VCV004985431.1).